The following is an entry in ClinVar:

ClinVar aggregate classification (germline): Pathogenic. Review status: criteria provided, multiple submitters, no conflicts (2 of 4 stars). 2 submissions from 2 submitters: Pathogenic (2). Last evaluated 2026-08-28.

Conditions:
Hereditary pheochromocytoma and paraganglioma. Also called: Hereditary paragangliomas and pheochromocytomas; Hereditary Paraganglioma-Pheochromocytoma Syndromes; Hereditary pheochromocytoma-paraganglioma. Identifiers: Orphanet 29072, MedGen C4274332, MONDO:0017366.
Pheochromocytoma/paraganglioma syndrome 2. Also called: SDHAF2-Related Hereditary Paraganglioma-Pheochromocytoma Syndrome; GLOMUS TUMORS, FAMILIAL, 2; Paragangliomas 2; SDHAF2-Related Hereditary Paraganglioma-Pheochromocytoma Syndrome (Paragangliomas 2). Identifiers: Orphanet 29072, MedGen C1866552, MONDO:0011121, OMIM 601650.

Submissions (2):

Myriad Genetics, Inc.
Classification: Pathogenic for Pheochromocytoma/paraganglioma syndrome 2. Last evaluated: 2026-08-28. Review status: criteria provided, single submitter. Criteria: Myriad Autosomal Dominant, Autosomal Recessive and X-Linked Classification Criteria (2023). Collection method: clinical testing. Allele origin: unknown.
Comment: This variant is considered pathogenic. This variant creates a termination codon and is predicted to result in premature protein truncation.

Labcorp Genetics (formerly Invitae), Labcorp
Classification: Pathogenic for Hereditary pheochromocytoma and paraganglioma. Last evaluated: 2021-08-30. Review status: criteria provided, single submitter. Criteria: Invitae Variant Classification Sherloc (09022015). Collection method: clinical testing. Allele origin: germline.
Comment: For these reasons, this variant has been classified as Pathogenic. This sequence change creates a premature translational stop signal (p.Tyr72*) in the SDHAF2 gene. It is expected to result in an absent or disrupted protein product. Loss-of-function variants in SDHAF2 are known to be pathogenic (PMID: 22241717, 26096992). This variant is not present in population databases (ExAC no frequency). This variant has not been reported in the literature in individuals affected with SDHAF2-related conditions. Algorithms developed to predict the effect of sequence changes on RNA splicing suggest that this variant may create or strengthen a splice site.

Literature cited by the submitters: PubMed 22241717 (cited by Labcorp Genetics (formerly Invitae), Labcorp); PubMed 26096992 (cited by Labcorp Genetics (formerly Invitae), Labcorp).

NM_017841.4(SDHAF2):c.216T>A (p.Tyr72Ter)

Gene: SDHAF2 (succinate dehydrogenase complex assembly factor 2; plus strand). Cytogenetic location: 11q12.2.
Variant type: single nucleotide variant.
Coding change: c.216T>A on transcript NM_017841.4 (MANE Select); coding-DNA position 216, T replaced by A.
Protein change: p.Tyr72Ter; replaces tyrosine 72 with a stop codon.
Molecular consequence: nonsense.
Genome position (GRCh38, 1-based): chr11:61,437,804, T>A. VCF-style: chr11-61437804-T-A. GRCh37 (hg19) VCF-style: chr11-61205276-T-A.
Other names: short protein forms Y72*.
Identifiers: ClinVar variation 1441880 (VCV001441880.7), dbSNP rs778397152, ClinGen allele CA380683682.